The following is an entry in ClinVar:

ClinVar aggregate classification (germline): Pathogenic/Likely pathogenic. Review status: criteria provided, multiple submitters, no conflicts (2 of 4 stars). 4 submissions from 4 submitters: Pathogenic (1); Likely pathogenic (3). Last evaluated 2025-12-01.

Conditions:
Arrhythmogenic right ventricular dysplasia 9 (ARVD9). Also called: Arrhythmogenic Right Ventricular Dysplasia/Cardiomyopathy 9; ARRHYTHMOGENIC RIGHT VENTRICULAR DYSPLASIA, FAMILIAL, 9. Identifiers: MedGen C1836906, MONDO:0012180, OMIM 609040.
Cardiovascular phenotype. Identifiers: MedGen CN230736.

Allele frequency attached by ClinVar (database versions not stated): gnomAD exomes below 0.00001.

Submissions (4):

CeGaT Center for Human Genetics Tuebingen
Classification: Likely pathogenic. Last evaluated: 2025-12-01. Review status: criteria provided, single submitter. Criteria: CeGaT Center For Human Genetics Tuebingen Variant Classification Criteria Version 2. Collection method: clinical testing. Allele origin: germline. Affected: yes. Observed: 1 variant allele.
Comment: PKP2: PM2, PS1:Moderate, PVS1:Moderate

Ambry Genetics
Classification: Likely pathogenic for Cardiovascular phenotype. Last evaluated: 2025-10-06. Review status: criteria provided, single submitter. Criteria: Ambry Variant Classification Scheme 2023. Collection method: clinical testing. Allele origin: germline.
Comment: The p.M1? variant (also known as c.1A>G) is located in coding exon 1 of the PKP2 gene and results from an A to G substitution at nucleotide position 1. This alters the methionine residue at the initiation codon (ATG). This variant is considered to be rare based on population cohorts in the Genome Aggregation Database (gnomAD).This amino acid position is highly conserved in available vertebrate species. Sequence variations that modify the initiation codon are expected to result in either loss of translation initiation, N-terminal truncation, or cause a shift in the mRNA reading frame. Based on the majority of available evidence to date, this variant is likely to be pathogenic.

Labcorp Genetics (formerly Invitae), Labcorp
Classification: Likely pathogenic for Arrhythmogenic right ventricular dysplasia 9. Last evaluated: 2025-02-26. Review status: criteria provided, single submitter. Criteria: Invitae Variant Classification Sherloc (09022015). Collection method: clinical testing. Allele origin: germline.
Comment: This sequence change affects the initiator methionine of the PKP2 mRNA. The next in-frame methionine is located at codon 110. This variant is not present in population databases (gnomAD no frequency). Disruption of the initiator codon has been observed in individual(s) with clinical features of arrhythmogenic cardiomyopathy (PMID: 24704780). ClinVar contains an entry for this variant (Variation ID: 2038137). Studies have shown that disruption of the initiator codon alters PKP2 gene expression (PMID: 24704780). This variant disrupts a region of the PKP2 protein in which other variant(s) (p.Ala65Ser) have been observed in individuals with PKP2-related conditions (PMID: 20400443). This suggests that this is a clinically significant region of the protein, and that variants that disrupt it are likely to be disease-causing. In summary, the currently available evidence indicates that the variant is pathogenic, but additional data are needed to prove that conclusively. Therefore, this variant has been classified as Likely Pathogenic.

Institute of Human Genetics, University of Leipzig Medical Center
Classification: Pathogenic for Arrhythmogenic right ventricular dysplasia 9. Last evaluated: 2023-07-24. Review status: criteria provided, single submitter. Criteria: ACMG Guidelines, 2015. Collection method: clinical testing. Allele origin: unknown. Inheritance: Autosomal dominant inheritance. Affected: yes.
Comment: Criteria applied: PVS1,PS4_SUP,PM2_SUP

Literature cited by the submitters: PubMed 24704780 (cited by Labcorp Genetics (formerly Invitae), Labcorp); PubMed 20400443 (cited by Labcorp Genetics (formerly Invitae), Labcorp).

NM_001005242.3(PKP2):c.1A>G (p.Met1Val)

Gene: PKP2 (plakophilin 2; minus strand). Cytogenetic location: 12p11.21.
Variant type: single nucleotide variant.
Coding change: c.1A>G on transcript NM_001005242.3 (MANE Select); coding-DNA position 1, A replaced by G.
Protein change: p.Met1Val; changes the start codon (methionine 1).
Molecular consequence: missense variant, initiator codon variant.
Genome position (GRCh38, 1-based): chr12:32,896,731, T>C on the plus strand (A>G on the coding strand, the complement: PKP2 is on the minus strand). VCF-style: chr12-32896731-T-C. GRCh37 (hg19) VCF-style: chr12-33049665-T-C.
Other names: c.1A>G, p.Met1Val (NM_004572.4); short protein forms M1V.
Identifiers: ClinVar variation 2038137 (VCV002038137.13), dbSNP rs794729107, ClinGen allele CA011630.
Genomic context (GRCh38, chr12:32,896,731, plus strand): 5'-TCTGCTGGCCCAGGACGGTCCGGATGTAGCCGTACTCAGCTGGGGCGCCGGGGGCTGCCA[T>C]GGGGCCGGTGGGGGCGACCGAGCTGCTCGCCTGCCTCTGGACTCGCGGGCGAAGCCGCCA-3'
Protein context (NP_001005242.2, residues 1-11): [Met1Val]AAPGAPAEYG